The following is an entry in ClinVar:

NM_000216.4(ANOS1):c.74_125dup (p.Ser43fs)

Gene: ANOS1 (anosmin 1; minus strand). Cytogenetic location: Xp22.31.
Variant type: Duplication.
Coding change: c.74_125dup on transcript NM_000216.4 (MANE Select); coding-DNA positions 74 to 125, 52 bases duplicated.
Protein change: p.Ser43fs; shifts the reading frame from serine 43.
Molecular consequence: frameshift variant.
Genome position (GRCh38, 1-based): chrX:8,731,912-8,731,963, 52 bases duplicated. GRCh37 (hg19): chrX:8,699,956-8,700,007.
Other names: short protein forms S43fs.
Identifiers: ClinVar variation 3643626 (VCV003643626.2).

ClinVar aggregate classification (germline): Pathogenic (1 of 4 stars; one submission).

Conditions:
Hypogonadotropic hypogonadism 1 with or without anosmia (HH1). Also called: Kallmann syndrome, type 1, X-linked; DYSPLASIA OLFACTOGENITALIS OF DE MORSIER; HYPOGONADOTROPIC HYPOGONADISM AND ANOSMIA; HYPOGONADOTROPIC HYPOGONADISM 1 WITH ANOSMIA; KAL1-Related GnRH Deficiency (Kallmann Syndrome 1; Kallmann Syndrome, X-Linked); Hypogonadotropic hypogonadism 1 with or without anosmia (Kallmann syndrome 1). Identifiers: Orphanet 478, MedGen C1563719, MONDO:0010635, OMIM 308700. Disease mechanism: loss of function.

Submission:

Labcorp Genetics (formerly Invitae), Labcorp
Classification: Pathogenic for Hypogonadotropic hypogonadism 1 with or without anosmia. Last evaluated: 2024-02-29. Review status: criteria provided, single submitter. Criteria: Invitae Variant Classification Sherloc (09022015). Collection method: clinical testing. Allele origin: germline.
Comment: This sequence change creates a premature translational stop signal (p.Ser43Argfs*60) in the ANOS1 gene. It is expected to result in an absent or disrupted protein product. Loss-of-function variants in ANOS1 are known to be pathogenic (PMID: 8504298, 11297579). This variant is not present in population databases (gnomAD no frequency). This variant has not been reported in the literature in individuals affected with ANOS1-related conditions. For these reasons, this variant has been classified as Pathogenic.

Literature cited by the submitters: PubMed 8504298; PubMed 11297579.